The following is an entry in ClinVar:

NM_002880.4(RAF1):c.55G>C (p.Asp19His)

Gene: RAF1 (Raf-1 proto-oncogene, serine/threonine kinase; minus strand). Cytogenetic location: 3p25.2.
Variant type: single nucleotide variant.
Coding change: c.55G>C on transcript NM_002880.4 (MANE Select); coding-DNA position 55, G replaced by C.
Protein change: p.Asp19His; replaces aspartic acid 19 with histidine.
Molecular consequence: missense variant. On other transcripts: 5 prime UTR variant (4), non-coding transcript variant (3).
Genome position (GRCh38, 1-based): chr3:12,618,667, C>G on the plus strand (G>C on the coding strand, the complement: RAF1 is on the minus strand). VCF-style: chr3-12618667-C-G. GRCh37 (hg19) VCF-style: chr3-12660166-C-G.
Other names: c.55G>C, p.Asp19His (NM_001354689.3, NM_001354690.3, NM_001354693.3); c.-76G>C (NM_001354691.3, NM_001354692.3, NM_001354694.3 and 1 more transcripts); short protein forms D19H.
Identifiers: ClinVar variation 3664806 (VCV003664806.2).

ClinVar aggregate classification (germline): Uncertain significance (1 of 4 stars; one submission).

Conditions:
RASopathy. Also called: rasopathies; Noonan spectrum disorder. Identifiers: Orphanet 536391, MedGen C5555857, MONDO:0021060.

Submission:

Labcorp Genetics (formerly Invitae), Labcorp
Classification: Uncertain significance for RASopathy. Last evaluated: 2024-03-09. Review status: criteria provided, single submitter. Criteria: Invitae Variant Classification Sherloc (09022015). Collection method: clinical testing. Allele origin: germline.
Comment: This sequence change replaces aspartic acid, which is acidic and polar, with histidine, which is basic and polar, at codon 19 of the RAF1 protein (p.Asp19His). This variant is not present in population databases (gnomAD no frequency). This variant has not been reported in the literature in individuals affected with RAF1-related conditions. Advanced modeling of protein sequence and biophysical properties (such as structural, functional, and spatial information, amino acid conservation, physicochemical variation, residue mobility, and thermodynamic stability) has been performed at Invitae for this missense variant, however the output from this modeling did not meet the statistical confidence thresholds required to predict the impact of this variant on RAF1 protein function. In summary, the available evidence is currently insufficient to determine the role of this variant in disease. Therefore, it has been classified as a Variant of Uncertain Significance.